The following is an entry in ClinVar:

NM_003482.4(KMT2D):c.1792C>T (p.Arg598Cys)

Gene: KMT2D (lysine methyltransferase 2D; minus strand). Cytogenetic location: 12q13.12.
Variant type: single nucleotide variant.
Coding change: c.1792C>T on transcript NM_003482.4 (MANE Select); coding-DNA position 1792, C replaced by T.
Protein change: p.Arg598Cys; replaces arginine 598 with cysteine.
Molecular consequence: missense variant.
Genome position (GRCh38, 1-based): chr12:49,051,891, G>A on the plus strand (C>T on the coding strand, the complement: KMT2D is on the minus strand). VCF-style: chr12-49051891-G-A. GRCh37 (hg19) VCF-style: chr12-49445674-G-A.
Other names: short protein forms R598C.
Identifiers: ClinVar variation 2084968 (VCV002084968.11), dbSNP rs778514296, ClinGen allele CA6548417.
Genomic context (GRCh38, chr12:49,051,891, plus strand): 5'-AAAGGGGAGACTCCTCAGGTGGAGGGGACAGAGGAGACTCTTCAAATGGTGGGAACAGAC[G>A]AGATGCCTCCGGTGGTGGAGACATGGGTGACTCTTCAGGTGGAGGGGACATGGGTGACTC-3'
Protein context (NP_003473.3, residues 588-608): SPMSPPPEAS[Arg598Cys]LFPPFEESPL

ClinVar aggregate classification (germline): Conflicting classifications of pathogenicity. Review status: criteria provided, conflicting classifications (1 of 4 stars). 4 submissions from 4 submitters: Uncertain significance (2); Benign (1); Likely benign (1). Last evaluated 2026-08-15.

Conditions:
Kabuki syndrome 1 (KABUK1). Also called: KMT2D-Related Kabuki Syndrome. Identifiers: Orphanet 2322, MedGen CN030661, MONDO:0007843, OMIM 147920.
Choanal atresia-athelia-hypothyroidism-delayed puberty-short stature syndrome (BCAHH). Also called: BRANCHIAL ARCH ABNORMALITIES, CHOANAL ATRESIA, ATHELIA, HEARING LOSS, AND HYPOTHYROIDISM SYNDROME. Identifiers: Orphanet 589856, MedGen C5680310, MONDO:0035651, OMIM 620186.
KMT2D-related disorder. Also called: KMT2D-Related Disorders.
Kabuki syndrome. Also called: NIIKAWA-KUROKI SYNDROME; Kabuki make-up syndrome. Identifiers: Orphanet 2322, MedGen C0796004, MONDO:0016512.

Allele frequency attached by ClinVar (database versions not stated): gnomAD 0.00001; ExAC 0.00004; gnomAD exomes 0.00006.
gnomAD v4.1: 86 of 1,613,032 alleles (0.0053%); highest among the groups gnomAD compares: South Asian, 0.024%; no homozygotes.

Submissions (4):

PreventionGenetics, part of Exact Sciences
Classification: Likely benign for KMT2D-related condition. Last evaluated: 2026-08-15. Review status: criteria provided, single submitter. Criteria: ACMG Guidelines, 2015. Collection method: clinical testing. Allele origin: germline.
Comment: This variant is classified as likely benign based on ACMG/AMP sequence variant interpretation guidelines (Richards et al. 2015 PMID: 25741868, with internal and published modifications).

Labcorp Genetics (formerly Invitae), Labcorp
Classification: Benign for Kabuki syndrome. Last evaluated: 2025-10-08. Review status: criteria provided, single submitter. Criteria: Invitae Variant Classification Sherloc (09022015). Collection method: clinical testing. Allele origin: germline.

Fulgent Genetics
Classification: Uncertain significance for Kabuki syndrome 1; Choanal atresia-athelia-hypothyroidism-delayed puberty-short stature syndrome. Last evaluated: 2024-06-03. Review status: criteria provided, single submitter. Criteria: ACMG Guidelines, 2015. Collection method: clinical testing. Allele origin: germline.

Revvity Omics, Revvity
Classification: Uncertain significance. Last evaluated: 2021-04-16. Review status: criteria provided, single submitter. Criteria: ACMG Guidelines, 2015. Collection method: clinical testing. Allele origin: germline.